The following is an entry in ClinVar:

NM_000051.4(ATM):c.2517A>G (p.Glu839=)

Gene: ATM (ATM serine/threonine kinase; plus strand). Cytogenetic location: 11q22.3.
Variant type: single nucleotide variant.
Coding change: c.2517A>G on transcript NM_000051.4 (MANE Select); coding-DNA position 2517, A replaced by G.
Protein change: p.Glu839=; no amino-acid change (glutamic acid 839 retained).
Molecular consequence: synonymous variant.
Genome position (GRCh38, 1-based): chr11:108,267,221, A>G. VCF-style: chr11-108267221-A-G. GRCh37 (hg19) VCF-style: chr11-108137948-A-G.
Other names: c.2517A>G, p.Glu839= (NM_001351834.2).
Identifiers: ClinVar variation 2031165 (VCV002031165.7), dbSNP rs1060501697, ClinGen allele CA476673548.

ClinVar aggregate classification (germline): Benign/Likely benign. Review status: criteria provided, multiple submitters, no conflicts (2 of 4 stars). 3 submissions from 3 submitters: Benign (1); Likely benign (2). Last evaluated 2024-05-09.

Conditions:
Hereditary cancer-predisposing syndrome. Also called: Tumor predisposition; Hereditary neoplastic syndrome; Neoplastic Syndromes, Hereditary; Hereditary Cancer Syndrome. Identifiers: Orphanet 140162, MedGen C0027672, MeSH D009386, MONDO:0015356.
Familial cancer of breast. Also called: Hereditary breast cancer; hereditary breast carcinoma; BREAST CANCER, FAMILIAL. Identifiers: Orphanet 227535, MedGen C0346153, MONDO:0016419, OMIM 114480. Disease mechanism: loss of function.
Ataxia-telangiectasia syndrome (AT). Also called: Ataxia-telangiectasia, complementation group D; ATAXIA-TELANGIECTASIA, COMPLEMENTATION GROUP A; ATAXIA-TELANGIECTASIA, FRESNO VARIANT; Ataxia-telangiectasia; Ataxia telangiectasia (A-T); Cerebello-oculocutaneous telangiectasia. Identifiers: Orphanet 100, MedGen C0004135, MONDO:0008840, OMIM 208900.

Submissions (3):

Myriad Genetics, Inc.
Classification: Benign for Familial cancer of breast. Last evaluated: 2024-05-09. Review status: criteria provided, single submitter. Criteria: Myriad Autosomal Dominant, Autosomal Recessive and X-Linked Classification Criteria (2023). Collection method: clinical testing. Allele origin: unknown.
Comment: This variant is considered benign. This variant is a silent/synonymous amino acid change and it is not expected to impact splicing.

Ambry Genetics
Classification: Likely benign for Hereditary cancer-predisposing syndrome. Last evaluated: 2023-08-26. Review status: criteria provided, single submitter. Criteria: Ambry Variant Classification Scheme 2023. Collection method: clinical testing. Allele origin: germline.

Labcorp Genetics (formerly Invitae), Labcorp
Classification: Likely benign for Ataxia-telangiectasia syndrome. Last evaluated: 2023-03-11. Review status: criteria provided, single submitter. Criteria: Invitae Variant Classification Sherloc (09022015). Collection method: clinical testing. Allele origin: germline.